The following is an entry in ClinVar:

NM_000059.4(BRCA2):c.3615T>C (p.Ser1205=)

Gene: BRCA2 (BRCA2 DNA repair associated; plus strand). Cytogenetic location: 13q13.1.
Variant type: single nucleotide variant.
Coding change: c.3615T>C on transcript NM_000059.4 (MANE Select); coding-DNA position 3615, T replaced by C.
Protein change: p.Ser1205=; no amino-acid change (serine 1205 retained).
Molecular consequence: synonymous variant.
Genome position (GRCh38, 1-based): chr13:32,337,970, T>C. VCF-style: chr13-32337970-T-C. GRCh37 (hg19) VCF-style: chr13-32912107-T-C.
Identifiers: ClinVar variation 427469 (VCV000427469.24), dbSNP rs769677997, ClinGen allele CA6940708.
Genomic context (GRCh38, chr13:32,337,970, plus strand): 5'-AGTTGAAATTAAACGGAAGTTTGCTGGCCTGTTGAAAAATGACTGTAACAAAAGTGCTTC[T>C]GGTTATTTAACAGATGAAAATGAAGTGGGGTTTAGGGGCTTTTATTCTGCTCATGGCACA-3'
Protein context (NP_000050.3, residues 1195-1215): LLKNDCNKSA[Ser1205=]GYLTDENEVG

ClinVar aggregate classification (germline): Likely benign. Review status: reviewed by expert panel (3 of 4 stars). 6 submissions from 6 submitters: Likely benign (1). 5 of the submissions do not count toward it. Last evaluated 2017-06-29.

Conditions:
BRCA2-related cancer predisposition. Identifiers: MedGen CN377758, MONDO:0700269.
Hereditary cancer-predisposing syndrome. Also called: Hereditary neoplastic syndrome; Hereditary Cancer Syndrome; Neoplastic Syndromes, Hereditary; Tumor predisposition. Identifiers: Orphanet 140162, MedGen C0027672, MeSH D009386, MONDO:0015356.
Breast-ovarian cancer, familial, susceptibility to, 2 (BROVCA2). Also called: BRCA2 Hereditary Breast and Ovarian Cancer. Identifiers: Orphanet 145, MedGen C2675520, MONDO:0012933, OMIM 612555. Disease mechanism: loss of function.
Hereditary breast ovarian cancer syndrome. Also called: Hereditary breast and ovarian cancer syndrome; BRCA1- and BRCA2-Associated Hereditary Breast and Ovarian Cancer; Hereditary breast and/or ovarian cancer syndrome; Hereditary breast and ovarian cancer; Breast and ovarian cancer; Hereditary breast and ovarian cancer syndrome (HBOC). Identifiers: Orphanet 145, MedGen C0677776, MeSH D061325, MONDO:0003582. Disease mechanism: loss of function.

Allele frequency attached by ClinVar (database versions not stated): gnomAD exomes below 0.00001; ExAC 0.00001.
gnomAD v4.1: 4 of 1,613,972 alleles (0.00025%); highest among the groups gnomAD compares: South Asian, 0.0011%; no homozygotes.

Submissions (6):

Evidence-based Network for the Interpretation of Germline Mutant Alleles (ENIGMA)
Classification: Likely benign for Breast-ovarian cancer, familial, susceptibility to, 2. Last evaluated: 2017-06-29. Review status: reviewed by expert panel. Criteria: ENIGMA BRCA1/2 Classification Criteria (2017-06-29). Collection method: curation. Allele origin: germline.
Comment: Synonymous substitution variant, with low bioinformatic likelihood to result in a splicing aberration (Splicing prior probability 0.02).

Labcorp Genetics (formerly Invitae), Labcorp
Classification: Likely benign for Hereditary breast ovarian cancer syndrome. Last evaluated: 2026-01-26. Review status: criteria provided, single submitter. Criteria: Invitae Variant Classification Sherloc (09022015). Collection method: clinical testing. Allele origin: germline. Not counted in ClinVar's aggregate classification.

Center for Genomic Medicine, Rigshospitalet, Copenhagen University Hospital
Classification: Likely benign. Last evaluated: 2025-03-04. Review status: criteria provided, single submitter. Criteria: ACMG Guidelines, 2015. Collection method: clinical testing. Allele origin: germline. Not counted in ClinVar's aggregate classification.

All of Us Research Program, National Institutes of Health
Classification: Likely benign for BRCA2-related cancer predisposition. Last evaluated: 2024-04-25. Review status: criteria provided, single submitter. Criteria: ACMG Guidelines, 2015. Collection method: clinical testing. Allele origin: germline. Inheritance: Autosomal dominant inheritance. Observed: 2 variant alleles, 2 heterozygotes. Not counted in ClinVar's aggregate classification.
Comment: This study involves interpretation of variants in research participants for the purpose of population health screening. Participant phenotype was not available at the time of variant classification. Additional details can be found in publication PMID: 35346344, PMCID: PMC8962531

Color Diagnostics, LLC DBA Color Health
Classification: Likely benign for Hereditary cancer-predisposing syndrome. Last evaluated: 2021-04-15. Review status: criteria provided, single submitter. Criteria: ACMG Guidelines, 2015. Collection method: clinical testing. Allele origin: germline. Not counted in ClinVar's aggregate classification.

Ambry Genetics
Classification: Likely benign for Hereditary cancer-predisposing syndrome. Last evaluated: 2017-05-15. Review status: criteria provided, single submitter. Criteria: Ambry Variant Classification Scheme 2023. Collection method: clinical testing. Allele origin: germline. Not counted in ClinVar's aggregate classification.